The following is an entry in ClinVar:

NM_001308093.3(GATA4):c.179G>C (p.Gly60Ala)

Gene: GATA4 (GATA binding protein 4). Cytogenetic location: 8p23.1.
Variant type: single nucleotide variant.
Coding change: c.179G>C on transcript NM_001308093.3 (MANE Select); coding-DNA position 179, G replaced by C.
Protein change: p.Gly60Ala; replaces glycine 60 with alanine.
Molecular consequence: missense variant. On other transcripts: intron variant (3).
Genome position (GRCh38, 1-based): chr8:11,708,491, G>C. VCF-style: chr8-11708491-G-C. GRCh37 (hg19) VCF-style: chr8-11566000-G-C.
Other names: c.179G>C, p.Gly60Ala (NM_002052.5); c.-6+7713G>C (NM_001308094.2); c.-3+477G>C (NM_001374274.1); c.-3+4187G>C (NM_001374273.1); short protein forms G60A.
Identifiers: ClinVar variation 2891702 (VCV002891702.3), dbSNP rs1451316561, ClinGen allele CA370309086.

ClinVar aggregate classification (germline): Uncertain significance (1 of 4 stars; one submission).

Conditions:
Atrioventricular septal defect 4 (AVSD4). Identifiers: MedGen C3280781, MONDO:0013747, OMIM 614430.

Allele frequency attached by ClinVar (database versions not stated): TOPMed below 0.00001.
gnomAD v4.1: 1 of 1,494,674 alleles (0.000067%); highest among the groups gnomAD compares: Non-Finnish European, 0.000089%; no homozygotes.

Submission:

Labcorp Genetics (formerly Invitae), Labcorp
Classification: Uncertain significance for Atrioventricular septal defect 4. Last evaluated: 2025-12-02. Review status: criteria provided, single submitter. Criteria: Invitae Variant Classification Sherloc (09022015). Collection method: clinical testing. Allele origin: germline.
Comment: This sequence change replaces glycine, which is neutral and non-polar, with alanine, which is neutral and non-polar, at codon 60 of the GATA4 protein (p.Gly60Ala). This variant is not present in population databases (gnomAD no frequency). This variant has not been reported in the literature in individuals affected with GATA4-related conditions. ClinVar contains an entry for this variant (Variation ID: 2891702). Invitae Evidence Modeling of protein sequence and biophysical properties (such as structural, functional, and spatial information, amino acid conservation, physicochemical variation, residue mobility, and thermodynamic stability) indicates that this missense variant is not expected to disrupt GATA4 protein function with a negative predictive value of 95%. In summary, the available evidence is currently insufficient to determine the role of this variant in disease. Therefore, it has been classified as a Variant of Uncertain Significance.